The following is an entry in ClinVar:

ClinVar aggregate classification (germline): Uncertain significance (1 of 4 stars; one submission).

Conditions:
Parkinson disease 17 (PARK17). Also called: VPS35-Related Parkinson Disease. Identifiers: Orphanet 411602, MedGen C3280133, MONDO:0013625, OMIM 614203.

Submission:

Labcorp Genetics (formerly Invitae), Labcorp
Classification: Uncertain significance for Parkinson disease 17. Last evaluated: 2022-12-01. Review status: criteria provided, single submitter. Criteria: Invitae Variant Classification Sherloc (09022015). Collection method: clinical testing. Allele origin: germline.
Comment: This sequence change replaces alanine, which is neutral and non-polar, with proline, which is neutral and non-polar, at codon 513 of the VPS35 protein (p.Ala513Pro). This variant is not present in population databases (gnomAD no frequency). This variant has not been reported in the literature in individuals affected with VPS35-related conditions. Advanced modeling of protein sequence and biophysical properties (such as structural, functional, and spatial information, amino acid conservation, physicochemical variation, residue mobility, and thermodynamic stability) performed at Invitae indicates that this missense variant is expected to disrupt VPS35 protein function. In summary, the available evidence is currently insufficient to determine the role of this variant in disease. Therefore, it has been classified as a Variant of Uncertain Significance.

NM_018206.6(VPS35):c.1537G>C (p.Ala513Pro)

Gene: VPS35 (VPS35 retromer complex component; minus strand). Cytogenetic location: 16q11.2.
Variant type: single nucleotide variant.
Coding change: c.1537G>C on transcript NM_018206.6 (MANE Select); coding-DNA position 1537, G replaced by C.
Protein change: p.Ala513Pro; replaces alanine 513 with proline.
Molecular consequence: missense variant.
Genome position (GRCh38, 1-based): chr16:46,669,040, C>G on the plus strand (G>C on the coding strand, the complement: VPS35 is on the minus strand). VCF-style: chr16-46669040-C-G. GRCh37 (hg19) VCF-style: chr16-46702952-C-G.
Other names: short protein forms A513P.
Identifiers: ClinVar variation 2814831 (VCV002814831.3), dbSNP rs1966030135, ClinGen allele CA395806348.
Genomic context (GRCh38, chr16:46,669,040, plus strand): 5'-CCAAAGGTGGCAGTGTGAAGCGAATCCGCTGATTTCCACCAGCTCCAAAATGTTTTCGTG[C>G]TGTGTTCAAAATCTGACCCAAAAGCATTAAAGAAAAAAAAATTTCCAAACTCTGATTAAT-3'
Protein context (NP_060676.2, residues 503-523): PDQQYLILNT[Ala513Pro]RKHFGAGGNQ